The following is an entry in ClinVar:

NM_020975.6(RET):c.1689G>C (p.Lys563Asn)

Gene: RET (ret proto-oncogene; plus strand). Cytogenetic location: 10q11.21.
Variant type: single nucleotide variant.
Coding change: c.1689G>C on transcript NM_020975.6 (MANE Select); coding-DNA position 1689, G replaced by C.
Protein change: p.Lys563Asn; replaces lysine 563 with asparagine.
Molecular consequence: missense variant.
Genome position (GRCh38, 1-based): chr10:43,112,893, G>C. VCF-style: chr10-43112893-G-C. GRCh37 (hg19) VCF-style: chr10-43608341-G-C.
Other names: c.1164G>C, p.Lys388Asn (NM_001406774.1); c.963G>C, p.Lys321Asn (NM_001406775.1, NM_001406776.1, NM_001406777.1 and 1 more transcripts); c.792G>C, p.Lys264Asn (NM_001406779.1, NM_001406780.1, NM_001406781.1 and 3 more transcripts); c.663G>C, p.Lys221Asn (NM_001406783.1, NM_001406786.1); c.1689G>C, p.Lys563Asn (NM_001406765.1, NM_020629.2, NM_020630.7 and 6 more transcripts); c.1401G>C, p.Lys467Asn (NM_001406766.1, NM_001406767.1, NM_001406770.1); c.1560G>C, p.Lys520Asn (NM_001406768.1, NM_001406761.1, NM_001406762.1 and 1 more transcripts); c.1293G>C, p.Lys431Asn (NM_001406769.1, NM_001406772.1); and 5 more; short protein forms K264N, K520N, K563N, K321N, K388N, K417N, K168N, K221N.
Identifiers: ClinVar variation 3011253 (VCV003011253.3), dbSNP rs2132814446, ClinGen allele CA376551884.

ClinVar aggregate classification (germline): Uncertain significance (1 of 4 stars; one submission).

Conditions:
Multiple endocrine neoplasia, type 2 (MEN2). Identifiers: Orphanet 653, MedGen C4048306, MONDO:0019003. Disease mechanism: gain of function.

Submission:

Labcorp Genetics (formerly Invitae), Labcorp
Classification: Uncertain significance for Multiple endocrine neoplasia, type 2. Last evaluated: 2024-04-02. Review status: criteria provided, single submitter. Criteria: Invitae Variant Classification Sherloc (09022015). Collection method: clinical testing. Allele origin: germline.
Comment: This sequence change replaces lysine, which is basic and polar, with asparagine, which is neutral and polar, at codon 563 of the RET protein (p.Lys563Asn). This variant is not present in population databases (gnomAD no frequency). This variant has not been reported in the literature in individuals affected with RET-related conditions. An algorithm developed to predict the effect of missense changes on protein structure and function (PolyPhen-2) suggests that this variant is likely to be tolerated. In summary, the available evidence is currently insufficient to determine the role of this variant in disease. Therefore, it has been classified as a Variant of Uncertain Significance.